The following is an entry in ClinVar:

NM_198252.3(GSN):c.-9-1990G>T

Gene: GSN (gelsolin; plus strand). Cytogenetic location: 9q33.2.
Variant type: single nucleotide variant.
Coding change: c.-9-1990G>T on transcript NM_198252.3 (MANE Select); 1990 bases into the intron before 9 bases upstream of the start codon, G replaced by T.
Molecular consequence: intron variant. On other transcripts: missense variant (1).
Genome position (GRCh38, 1-based): chr9:121,299,973, G>T. VCF-style: chr9-121299973-G-T. GRCh37 (hg19) VCF-style: chr9-124062251-G-T.
Other names: c.112G>T, p.Gly38Trp (NM_000177.5); c.-9-1990G>T (NM_001353054.1, NM_001353053.1, NM_001353060.2 and 5 more transcripts); c.-47-83G>T (NM_001353064.2, NM_001353066.2, NM_001353072.2 and 8 more transcripts); c.-1-1998G>T (NM_001353058.2, NM_001353059.2, NM_001353056.2 and 1 more transcripts); c.-38-92G>T (NM_001353073.2, NM_001353065.2, NM_001353068.2 and 2 more transcripts); c.100-1990G>T (NM_001127663.2); c.-32-98G>T (NM_001353070.2); c.-48-1951G>T (NM_001353055.2); and 3 more; short protein forms G38W.
Identifiers: ClinVar variation 1479022 (VCV001479022.8), dbSNP rs1210058398, ClinGen allele CA374752223.

ClinVar aggregate classification (germline): Uncertain significance (1 of 4 stars; one submission).

Allele frequency attached by ClinVar (database versions not stated): gnomAD exomes below 0.00001.
gnomAD v4.1: 2 of 1,335,934 alleles (0.00015%); highest among the groups gnomAD compares: Non-Finnish European, 0.00019%; no homozygotes.

Submission:

Labcorp Genetics (formerly Invitae), Labcorp
Classification: Uncertain significance. Last evaluated: 2021-05-18. Review status: criteria provided, single submitter. Criteria: Invitae Variant Classification Sherloc (09022015). Collection method: clinical testing. Allele origin: germline.
Comment: Algorithms developed to predict the effect of missense changes on protein structure and function are either unavailable or do not agree on the potential impact of this missense change (SIFT: "Deleterious"; PolyPhen-2: "Benign"; Align-GVGD: "Class C0"). This variant has not been reported in the literature in individuals with GSN-related conditions. This variant is not present in population databases (ExAC no frequency). This sequence change replaces glycine with tryptophan at codon 38 of the GSN protein (p.Gly38Trp). The glycine residue is weakly conserved and there is a large physicochemical difference between glycine and tryptophan. In summary, the available evidence is currently insufficient to determine the role of this variant in disease. Therefore, it has been classified as a Variant of Uncertain Significance.